The following is an entry in ClinVar:

ClinVar aggregate classification (germline): Conflicting classifications of pathogenicity. Review status: criteria provided, conflicting classifications (1 of 4 stars). 3 submissions from 3 submitters: Uncertain significance (2); Likely benign (1). Last evaluated 2026-02-01.

Allele frequency attached by ClinVar (database versions not stated): gnomAD exomes 0.00013 and 0.00015; ExAC 0.00020; ESP Exome Variant Server 0.00058; TOPMed 0.00058; gnomAD 0.00065 and 0.00072; 1000 Genomes Project 0.00080; 1000 Genomes Project 30x 0.00094.
gnomAD v4.1: 290 of 1,612,812 alleles (0.018%); highest among the groups gnomAD compares: African/African-American, 0.18%; no homozygotes.

Submissions (3):

CeGaT Center for Human Genetics Tuebingen
Classification: Uncertain significance. Last evaluated: 2026-02-01. Review status: criteria provided, single submitter. Criteria: CeGaT Center For Human Genetics Tuebingen Variant Classification Criteria Version 2. Collection method: clinical testing. Allele origin: germline. Affected: yes. Observed: 1 variant allele.
Comment: OTOGL: PM2, BP4

GeneDx
Classification: Uncertain significance. Last evaluated: 2019-10-25. Review status: criteria provided, single submitter. Criteria: GeneDx Variant Classification Process June 2021. Collection method: clinical testing. Allele origin: germline. Affected: yes.
Comment: In silico analysis, which includes protein predictors and evolutionary conservation, supports that this variant does not alter protein structure/function; Has not been previously published as pathogenic or benign to our knowledge

Laboratory for Molecular Medicine, Mass General Brigham Personalized Medicine
Classification: Likely benign. Last evaluated: 2015-10-22. Review status: criteria provided, single submitter. Criteria: LMM Criteria. Collection method: clinical testing. Allele origin: germline. Observed: 1 variant allele.
Comment: p.Asp842Asn in exon 23 of OTOGL: This variant is not expected to have clinical s ignificance because it has been identified in 0.2% (20/9728) of African chromoso mes by the Exome Aggregation Consortium (ExAC; d bSNP rs112430701) and due to a lack of conservation across species, including ma mmals. Of note, bat, microbat, and big brown bat have an asparagine (Asn) at thi s position despite high nearby amino acid conservation. In addition, computation al prediction tools suggest that the p.Asp842Asn variant may not impact the prot ein.

NM_001378609.3(OTOGL):c.2551G>A (p.Asp851Asn)

Gene: OTOGL (otogelin like; plus strand). Cytogenetic location: 12q21.31.
Variant type: single nucleotide variant.
Coding change: c.2551G>A on transcript NM_001378609.3 (MANE Select); coding-DNA position 2551, G replaced by A.
Protein change: p.Asp851Asn; replaces aspartic acid 851 with asparagine.
Molecular consequence: missense variant.
Genome position (GRCh38, 1-based): chr12:80,271,680, G>A. VCF-style: chr12-80271680-G-A. GRCh37 (hg19) VCF-style: chr12-80665460-G-A.
Other names: c.2551G>A, p.Asp851Asn (NM_001368062.3, NM_001378610.3, NM_173591.7); short protein forms D842N, D851N.
Identifiers: ClinVar variation 227817 (VCV000227817.11), dbSNP rs112430701, ClinGen allele CA6700844.